The following is an entry in ClinVar:

ClinVar aggregate classification (germline): Benign. Review status: criteria provided, multiple submitters, no conflicts (2 of 4 stars). 6 submissions from 6 submitters: Benign (5). 1 of the submissions does not count toward it. Last evaluated 2026-01-31.

Conditions:
Congenital hyperammonemia, type I. Also called: Carbamoyl-phosphate synthase I deficiency; Carbamoyl phosphate synthetase 1 deficiency; Hyperammonemia due to carbamoyl phosphate synthetase 1 deficiency; CPS 1 deficiency; Carbamyl phosphate synthetase (CPS) deficiency; Carbamoyl phosphate synthetase I deficiency disease. Identifiers: Orphanet 147, MedGen C4082171, MONDO:0009376, OMIM 237300.

Allele frequency attached by ClinVar (database versions not stated): 1000 Genomes Project 30x 0.01218; 1000 Genomes Project 0.01657.
gnomAD v4.1: 4,392 of 1,611,196 alleles (0.27%); highest among the groups gnomAD compares: African/African-American, 5.1%; 105 homozygotes.

Submissions (6):

Labcorp Genetics (formerly Invitae), Labcorp
Classification: Benign for Congenital hyperammonemia, type I. Last evaluated: 2026-01-31. Review status: criteria provided, single submitter. Criteria: Invitae Variant Classification Sherloc (09022015). Collection method: clinical testing. Allele origin: germline.

Illumina Laboratory Services, Illumina
Classification: Benign for Congenital hyperammonemia, type I. Last evaluated: 2018-01-13. Review status: criteria provided, single submitter. Criteria: ICSL Variant Classification Criteria 13 December 2019. Collection method: clinical testing. Allele origin: germline.
Comment: This variant was observed in the ICSL laboratory as part of a predisposition screen in an ostensibly healthy population. It had not been previously curated by ICSL or reported in the Human Gene Mutation Database (HGMD: prior to June 1st, 2018), and was therefore a candidate for classification through an automated scoring system. Utilizing variant allele frequency, disease prevalence and penetrance estimates, and inheritance mode, an automated score was calculated to assess if this variant is too frequent to cause the disease. Based on the score and internal cut-off values, a variant classified as benign is not then subjected to further curation. The score for this variant resulted in a classification of benign for this disease.

GeneDx
Classification: Benign. Last evaluated: 2016-02-12. Review status: criteria provided, single submitter. Criteria: GeneDx Variant Classification (06012015). Collection method: clinical testing. Allele origin: germline. Affected: yes.
Comment: This variant is considered likely benign or benign based on one or more of the following criteria: it is a conservative change, it occurs at a poorly conserved position in the protein, it is predicted to be benign by multiple in silico algorithms, and/or has population frequency not consistent with disease.

Eurofins Ntd Llc (ga)
Classification: Benign. Last evaluated: 2015-06-10. Review status: criteria provided, single submitter. Criteria: EGL Classification Definitions 2015. Collection method: clinical testing. Allele origin: germline.

Breakthrough Genomics
Classification: Benign. Review status: criteria provided, single submitter. Criteria: ACMG Guidelines, 2015. Collection method: not provided. Allele origin: germline. Inheritance: Autosomal recessive inheritance. Affected: yes.

Natera, Inc.
Classification: Benign for Carbamoyl-phosphate synthase I deficiency. Last evaluated: 2020-09-16. Review status: no assertion criteria provided. Collection method: clinical testing. Allele origin: germline. Not counted in ClinVar's aggregate classification.

NM_001875.5(CPS1):c.1030A>T (p.Thr344Ser)

Gene: CPS1 (carbamoyl-phosphate synthase 1; plus strand). Cytogenetic location: 2q34.
Variant type: single nucleotide variant.
Coding change: c.1030A>T on transcript NM_001875.5 (MANE Select); coding-DNA position 1030, A replaced by T.
Protein change: p.Thr344Ser; replaces threonine 344 with serine.
Molecular consequence: missense variant. On other transcripts: non-coding transcript variant (1).
Genome position (GRCh38, 1-based): chr2:210,591,913, A>T. VCF-style: chr2-210591913-A-T. GRCh37 (hg19) VCF-style: chr2-211456637-A-T.
Other names: c.1030A>T (LRG_336t1); c.1030A>T, p.Thr344Ser (NM_001122633.3, NM_001369257.1); c.1063A>T, p.Thr355Ser (NM_001369256.1); short protein forms T344S, T355S.
Identifiers: ClinVar variation 281331 (VCV000281331.22), dbSNP rs1047883, ClinGen allele CA2086224.